The following is an entry in ClinVar:

NM_014727.3(KMT2B):c.3443C>T (p.Pro1148Leu)

Gene: KMT2B (lysine methyltransferase 2B; plus strand). Cytogenetic location: 19q13.12.
Variant type: single nucleotide variant.
Coding change: c.3443C>T on transcript NM_014727.3 (MANE Select); coding-DNA position 3443, C replaced by T.
Protein change: p.Pro1148Leu; replaces proline 1148 with leucine.
Molecular consequence: missense variant.
Genome position (GRCh38, 1-based): chr19:35,725,002, C>T. VCF-style: chr19-35725002-C-T. GRCh37 (hg19) VCF-style: chr19-36215903-C-T.
Other names: short protein forms P1148L.
Identifiers: ClinVar variation 4695814 (VCV004695814.1).
Genomic context (GRCh38, chr19:35,725,002, plus strand): 5'-TCACGGCCAGGCTGGCAGCTCTGAATTCCCCCACCTTTCCTCCCCAGGATGCTTTGGCCC[C>T]TGGCCCCTTTGCTTCTTTTCCCAATGGCTGGACTGGAAAGCAGAAGTCTCCCGATGGTGT-3'
Protein context (NP_055542.1, residues 1138-1158): RRRLDKDALA[Pro1148Leu]GPFASFPNGW

ClinVar aggregate classification (germline): Uncertain significance (1 of 4 stars; one submission).

gnomAD v4.1: 20 of 1,612,834 alleles (0.0012%); highest among the groups gnomAD compares: Non-Finnish European, 0.0017%; no homozygotes.

Submission:

Labcorp Genetics (formerly Invitae), Labcorp
Classification: Uncertain significance. Last evaluated: 2025-08-29. Review status: criteria provided, single submitter. Criteria: Invitae Variant Classification Sherloc (09022015). Collection method: clinical testing. Allele origin: germline.
Comment: This sequence change replaces proline, which is neutral and non-polar, with leucine, which is neutral and non-polar, at codon 1148 of the KMT2B protein (p.Pro1148Leu). This variant is present in population databases (no rsID available, gnomAD 0.002%). This variant has not been reported in the literature in individuals affected with KMT2B-related conditions. Invitae Evidence Modeling of protein sequence and biophysical properties (such as structural, functional, and spatial information, amino acid conservation, physicochemical variation, residue mobility, and thermodynamic stability) has been performed for this missense variant. However, the output from this modeling did not meet the statistical confidence thresholds required to predict the impact of this variant on KMT2B protein function. In summary, the available evidence is currently insufficient to determine the role of this variant in disease. Therefore, it has been classified as a Variant of Uncertain Significance.